The following is an entry in ClinVar:

ClinVar aggregate classification (germline): Benign/Likely benign. Review status: criteria provided, multiple submitters, no conflicts (2 of 4 stars). 6 submissions from 6 submitters: Benign (2); Likely benign (2). 2 of the submissions do not count toward it. Last evaluated 2025-12-01.

Conditions:
Charcot-Marie-Tooth disease axonal type 2L. Also called: CHARCOT-MARIE-TOOTH DISEASE, AXONAL, AUTOSOMAL DOMINANT, TYPE 2L; CHARCOT-MARIE-TOOTH NEUROPATHY, AXONAL, TYPE 2L; Charcot-Marie-Tooth Neuropathy Type 2L. Identifiers: Orphanet 99945, MedGen C1837552, MONDO:0012096, OMIM 608673.

Allele frequency attached by ClinVar (database versions not stated): 1000 Genomes Project 0.00020; 1000 Genomes Project 30x 0.00031; gnomAD 0.00036 and 0.00043; ESP Exome Variant Server 0.00038; TOPMed 0.00051; gnomAD exomes 0.00052 and 0.00064; ExAC 0.00066.
gnomAD v4.1: 987 of 1,612,872 alleles (0.061%); highest among the groups gnomAD compares: Non-Finnish European, 0.08%; 1 homozygote.

Submissions (6):

Labcorp Genetics (formerly Invitae), Labcorp
Classification: Benign for Charcot-Marie-Tooth disease axonal type 2L. Last evaluated: 2025-12-01. Review status: criteria provided, single submitter. Criteria: Invitae Variant Classification Sherloc (09022015). Collection method: clinical testing. Allele origin: germline.

Blueprint Genetics
Classification: Likely benign. Last evaluated: 2024-09-05. Review status: criteria provided, single submitter. Criteria: ACMG Guidelines, 2015. Collection method: clinical testing. Allele origin: germline.

ARUP Laboratories, Molecular Genetics and Genomics, ARUP Laboratories
Classification: Benign. Last evaluated: 2019-02-18. Review status: criteria provided, single submitter. Criteria: ARUP Molecular Germline Variant Investigation Process. Collection method: clinical testing. Allele origin: germline.

GeneDx
Classification: Likely benign. Last evaluated: 2017-10-12. Review status: criteria provided, single submitter. Criteria: GeneDx Variant Classification (06012015). Collection method: clinical testing. Allele origin: germline. Affected: yes.
Comment: This variant is considered likely benign or benign based on one or more of the following criteria: it is a conservative change, it occurs at a poorly conserved position in the protein, it is predicted to be benign by multiple in silico algorithms, and/or has population frequency not consistent with disease.

Clinical Genetics, Academic Medical Center
Classification: Benign. Review status: no assertion criteria provided. Collection method: clinical testing. Allele origin: germline. Affected: yes. Study: VKGL Data-share Consensus. Not counted in ClinVar's aggregate classification.

Genome Diagnostics Laboratory, University Medical Center Utrecht
Classification: Likely benign. Review status: no assertion criteria provided. Collection method: clinical testing. Allele origin: germline. Affected: yes. Study: VKGL Data-share Consensus. Not counted in ClinVar's aggregate classification.

NM_014365.3(HSPB8):c.432-16C>T

Gene: HSPB8 (heat shock protein family B (small) member 8; plus strand). Cytogenetic location: 12q24.23.
Variant type: single nucleotide variant.
Coding change: c.432-16C>T on transcript NM_014365.3 (MANE Select); 16 bases into the intron before coding-DNA position 432, C replaced by T.
Molecular consequence: intron variant.
Genome position (GRCh38, 1-based): chr12:119,193,683, C>T. VCF-style: chr12-119193683-C-T. GRCh37 (hg19) VCF-style: chr12-119631488-C-T.
Identifiers: ClinVar variation 382391 (VCV000382391.19), dbSNP rs183447670, ClinGen allele CA6819602.